The following is an entry in ClinVar:

NM_001041.4(SI):c.3083A>C (p.Asp1028Ala)

Gene: SI (sucrase-isomaltase; minus strand). Cytogenetic location: 3q26.1.
Variant type: single nucleotide variant.
Coding change: c.3083A>C on transcript NM_001041.4 (MANE Select); coding-DNA position 3083, A replaced by C.
Protein change: p.Asp1028Ala; replaces aspartic acid 1028 with alanine.
Molecular consequence: missense variant.
Genome position (GRCh38, 1-based): chr3:165,023,586, T>G on the plus strand (A>C on the coding strand, the complement: SI is on the minus strand). VCF-style: chr3-165023586-T-G. GRCh37 (hg19) VCF-style: chr3-164741374-T-G.
Other names: p.Asp1028Ala; short protein forms D1028A.
Identifiers: ClinVar variation 3379511 (VCV003379511.1).
Genomic context (GRCh38, chr3:165,023,586, plus strand): 5'-TCACAAGATGAGTTAAGCTTTGGGGTAGTTTATATCAAGCATACCTTAAACTGCAACATA[T>G]CATTTTTGTGATATTTCACCTCCACACGAAGAGTTGAGATGGGGTCAGAAGGTAACTTTA-3'
Protein context (NP_001032.2, residues 1018-1038): LRVEVKYHKN[Asp1028Ala]MLQFKIYDPQ

ClinVar aggregate classification (germline): Uncertain significance (1 of 4 stars; one submission).

gnomAD v4.1: 64 of 1,610,252 alleles (0.004%); highest among the groups gnomAD compares: Non-Finnish European, 0.0054%; no homozygotes.

Submission:

Mayo Clinic Laboratories, Mayo Clinic
Classification: Uncertain significance. Last evaluated: 2023-12-08. Review status: criteria provided, single submitter. Criteria: ACMG Guidelines, 2015. Collection method: clinical testing. Allele origin: germline. Observed: 1 variant allele.
Comment: BP4